The following is an entry in ClinVar:

NM_001365999.1(SZT2):c.9035G>A (p.Cys3012Tyr)

Gene: SZT2 (SZT2 subunit of KICSTOR complex; plus strand). Cytogenetic location: 1p34.2.
Variant type: single nucleotide variant.
Coding change: c.9035G>A on transcript NM_001365999.1 (MANE Select); coding-DNA position 9035, G replaced by A.
Protein change: p.Cys3012Tyr; replaces cysteine 3012 with tyrosine.
Molecular consequence: missense variant.
Genome position (GRCh38, 1-based): chr1:43,446,379, G>A. VCF-style: chr1-43446379-G-A. GRCh37 (hg19) VCF-style: chr1-43912050-G-A.
Other names: c.8864G>A, p.Cys2955Tyr (NM_015284.4); c.476G>A, p.Cys159Tyr (NM_024547.1); short protein forms C159Y, C3012Y, C2955Y.
Identifiers: ClinVar variation 1992831 (VCV001992831.3), dbSNP rs2545863799, ClinGen allele CA340042108.
Genomic context (GRCh38, chr1:43,446,379, plus strand): 5'-TCTCATCTTCACCTTCCCTCCAGGGCTGTTACTTCTGTGTCAAACAGTTTGCCCTGGAAT[G>A]TTCCCGAATCCCAATGGGGCAGGCTGTCAACTCACAGGTATGTGAATGAGCTGCGGGCAC-3'
Protein context (NP_001352928.1, residues 3002-3022): YFCVKQFALE[Cys3012Tyr]SRIPMGQAVN

ClinVar aggregate classification (germline): Uncertain significance (1 of 4 stars; one submission).

Submission:

Labcorp Genetics (formerly Invitae), Labcorp
Classification: Uncertain significance. Last evaluated: 2025-10-21. Review status: criteria provided, single submitter. Criteria: Invitae Variant Classification Sherloc (09022015). Collection method: clinical testing. Allele origin: germline.
Comment: This sequence change replaces cysteine, which is neutral and slightly polar, with tyrosine, which is neutral and polar, at codon 2955 of the SZT2 protein (p.Cys2955Tyr). This variant is not present in population databases (gnomAD no frequency). This variant has not been reported in the literature in individuals affected with SZT2-related conditions. ClinVar contains an entry for this variant (Variation ID: 1992831). Invitae Evidence Modeling of protein sequence and biophysical properties (such as structural, functional, and spatial information, amino acid conservation, physicochemical variation, residue mobility, and thermodynamic stability) indicates that this missense variant is expected to disrupt SZT2 protein function with a positive predictive value of 80%. In summary, the available evidence is currently insufficient to determine the role of this variant in disease. Therefore, it has been classified as a Variant of Uncertain Significance.